The following is an entry in ClinVar:

ClinVar aggregate classification (germline): Uncertain significance (1 of 4 stars; one submission).

Conditions:
Sulfite oxidase deficiency due to molybdenum cofactor deficiency type A. Also called: Molybdenum cofactor deficiency, complementation group A; Molybdenum Cofactor Deficiency A. Identifiers: Orphanet 308386, Orphanet 833, MedGen C1854988, MONDO:0009643, OMIM 252150.

gnomAD v4.1: 1 of 1,613,764 alleles (0.000062%); highest among the groups gnomAD compares: Non-Finnish European, 0.000085%; no homozygotes.

Submission:

Labcorp Genetics (formerly Invitae), Labcorp
Classification: Uncertain significance for Sulfite oxidase deficiency due to molybdenum cofactor deficiency type A. Last evaluated: 2022-08-13. Review status: criteria provided, single submitter. Criteria: Invitae Variant Classification Sherloc (09022015). Collection method: clinical testing. Allele origin: germline.
Comment: This sequence change replaces arginine, which is basic and polar, with leucine, which is neutral and non-polar, at codon 582 of the MOCS1 protein (p.Arg582Leu). This variant is not present in population databases (gnomAD no frequency). This variant has not been reported in the literature in individuals affected with MOCS1-related conditions. Algorithms developed to predict the effect of missense changes on protein structure and function are either unavailable or do not agree on the potential impact of this missense change (SIFT: "Not Available"; PolyPhen-2: "Possibly Damaging"; Align-GVGD: "Not Available"). In summary, the available evidence is currently insufficient to determine the role of this variant in disease. Therefore, it has been classified as a Variant of Uncertain Significance.

NM_001358530.2(MOCS1):c.1745G>T (p.Arg582Leu)

Gene: MOCS1 (molybdenum cofactor synthesis 1; minus strand). Cytogenetic location: 6p21.2.
Variant type: single nucleotide variant.
Coding change: c.1745G>T on transcript NM_001358530.2 (MANE Select); coding-DNA position 1745, G replaced by T.
Protein change: p.Arg582Leu; replaces arginine 582 with leucine.
Molecular consequence: missense variant. On other transcripts: 3 prime UTR variant (4), non-coding transcript variant (1).
Genome position (GRCh38, 1-based): chr6:39,906,523, C>A on the plus strand (G>T on the coding strand, the complement: MOCS1 is on the minus strand). VCF-style: chr6-39906523-C-A. GRCh37 (hg19) VCF-style: chr6-39874299-C-A.
Other names: c.*602G>T (NM_001075098.4, NM_001358533.2, NM_001358534.2 and 1 more transcripts); c.1697G>T, p.Arg566Leu (NM_001358529.2); c.1484G>T, p.Arg495Leu (NM_001358531.2); short protein forms R495L, R566L, R582L.
Identifiers: ClinVar variation 1716295 (VCV001716295.5), dbSNP rs762229041, ClinGen allele CA364039050.